The following is an entry in ClinVar:

NM_000138.5(FBN1):c.5372G>A (p.Cys1791Tyr)

Gene: FBN1 (fibrillin 1; minus strand). Cytogenetic location: 15q21.1.
Variant type: single nucleotide variant.
Coding change: c.5372G>A on transcript NM_000138.5 (MANE Select); coding-DNA position 5372, G replaced by A.
Protein change: p.Cys1791Tyr; replaces cysteine 1791 with tyrosine.
Molecular consequence: missense variant.
Genome position (GRCh38, 1-based): chr15:48,456,687, C>T on the plus strand (G>A on the coding strand, the complement: FBN1 is on the minus strand). VCF-style: chr15-48456687-C-T. GRCh37 (hg19) VCF-style: chr15-48748884-C-T.
Other names: short protein forms C1791Y.
Identifiers: ClinVar variation 263568 (VCV000263568.26), dbSNP rs886038848, ClinGen allele CA10587814.

ClinVar aggregate classification (germline): Pathogenic/Likely pathogenic. Review status: criteria provided, multiple submitters, no conflicts (2 of 4 stars). 6 submissions from 6 submitters: Pathogenic (3); Likely pathogenic (2). 1 of the submissions does not count toward it. Last evaluated 2024-10-24.

Conditions:
Cardiovascular phenotype. Identifiers: MedGen CN230736.
Marfan Syndrome/Loeys-Dietz Syndrome/Familial Thoracic Aortic Aneurysms and Dissections. Identifiers: MedGen CN229799.
Marfan syndrome (MFS). Also called: MARFAN SYNDROME, TYPE I; FBN1-Related Marfan Syndrome; Marfan syndrome, classic; Marfan syndrome type 1; Marfan's syndrome. Identifiers: Orphanet 284963, Orphanet 558, MedGen C0024796, MONDO:0007947, OMIM 154700.
Familial thoracic aortic aneurysm and aortic dissection (TAAD). Also called: Thoracic aortic aneurysms and dissections. Identifiers: Orphanet 91387, MedGen C4707243, MONDO:0019625.
FBN1-related disorder. Also called: FBN1-related disorders.

Allele frequency attached by ClinVar (database versions not stated): gnomAD exomes below 0.00001.
gnomAD v4.1: 1 of 1,614,044 alleles (0.000062%); highest among the groups gnomAD compares: Non-Finnish European, 0.000085%; no homozygotes.

Submissions (6):

Labcorp Genetics (formerly Invitae), Labcorp
Classification: Pathogenic for Marfan syndrome; Familial thoracic aortic aneurysm and aortic dissection. Last evaluated: 2024-10-24. Review status: criteria provided, single submitter. Criteria: Invitae Variant Classification Sherloc (09022015). Collection method: clinical testing. Allele origin: germline.
Comment: This sequence change replaces cysteine, which is neutral and slightly polar, with tyrosine, which is neutral and polar, at codon 1791 of the FBN1 protein (p.Cys1791Tyr). This variant is not present in population databases (gnomAD no frequency). This missense change has been observed in individuals with Marfan syndrome (PMID: 11700157; internal data). ClinVar contains an entry for this variant (Variation ID: 263568). Invitae Evidence Modeling of protein sequence and biophysical properties (such as structural, functional, and spatial information, amino acid conservation, physicochemical variation, residue mobility, and thermodynamic stability) indicates that this missense variant is expected to disrupt FBN1 protein function with a positive predictive value of 95%. This variant affects a cysteine residue in the EGF-like, TGFBP or hybrid motif domains of FBN1. Cysteine residues are believed to be involved in intramolecular disulfide bridges and have been shown to be important for FBN1 protein structure (PMID: 16905551, 19349279). In addition, missense substitutions affecting cysteine residues within these domains are significantly overrepresented among patients with Marfan syndrome (PMID: 16571647, 17701892). For these reasons, this variant has been classified as Pathogenic.

Centre of Medical Genetics, University of Antwerp
Classification: Pathogenic for Marfan syndrome. Last evaluated: 2021-03-01. Review status: criteria provided, single submitter. Criteria: Submitter's publication. Collection method: research. Allele origin: unknown. Affected: yes.
Comment: PM2, PVS2, PP4

Women's Health and Genetics/Laboratory Corporation of America, LabCorp
Classification: Pathogenic for Marfan Syndrome/Loeys-Dietz Syndrome/Familial Thoracic Aortic Aneurysms and Dissections. Last evaluated: 2018-12-17. Review status: criteria provided, single submitter. Criteria: LabCorp Variant Classification Summary - May 2015. Collection method: clinical testing. Allele origin: germline.
Comment: Variant summary: FBN1 c.5372G>A (p.Cys1791Tyr) results in a non-conservative amino acid change located in the EGF-like calcium-binding domain (IPR001881) of the encoded protein sequence. Five of five in-silico tools predict a damaging effect of the variant on protein function. The variant was absent in 246008 control chromosomes. c.5372G>A has been reported in the literature in individuals affected with Marfan Syndrome. These data indicate that the variant is likely to be associated with disease. To our knowledge, no experimental evidence demonstrating an impact on protein function has been reported. Two clinical diagnostic laboratories have submitted clinical-significance assessments for this variant to ClinVar after 2014 without evidence for independent evaluation. All laboratories classified the variant as pathogenic/likely pathogenic. Based on the evidence outlined above, the variant was classified as pathogenic.

Blueprint Genetics
Classification: Likely pathogenic for FBN1-related disorders. Last evaluated: 2018-09-20. Review status: criteria provided, single submitter. Criteria: ACMG Guidelines, 2015. Collection method: clinical testing. Allele origin: germline. Affected: yes. Observed: 1 variant allele.

Ambry Genetics
Classification: Likely pathogenic for Cardiovascular phenotype. Last evaluated: 2017-06-07. Review status: criteria provided, single submitter. Criteria: Ambry Autosomal Dominant and X-Linked criteria (3/2017). Collection method: clinical testing. Allele origin: germline. Observed: 1 variant allele.
Comment: The p.C1791Y variant (also known as c.5372G>A), located in coding exon 43 of the FBN1 gene, results from a G to A substitution at nucleotide position 5372. The cysteine at codon 1791 is replaced by tyrosine, an amino acid with highly dissimilar properties, and is located in the cbEGF-like #25 domain. The majority of FBN1 mutations identified to date have involved the substitution or generation of cysteine residues within cbEGF domains (Vollbrandt T et al. J Biol Chem. 2004;279(31):32924-32931). It was also reported in a study that screened samples with known FBN1 genotypes (M&aacute;ty&aacute;s G et al. Hum. Mutat. 2002;19(4):443-56). Two other alterations in the same codon (p.C1791F and p.C1791R) have been associated with MFS (Howarth R et al. Genet. Test. 2007;11(2):146-52; Rommel K et al. Hum. Mutat. 2005;26(6):529-39). Furthermore, internal structural analysis indicates that this alteration disrupts a disulfide bond and is structurally destabilizing (Lee SS et al. Structure. 2004;12(4):717-29). This amino acid position is highly conserved in available vertebrate species. In addition, this alteration is predicted to be deleterious by in silico analysis. Based on the majority of available evidence to date, this variant is likely to be pathogenic.

Center for Medical Genetics Ghent, University of Ghent
Classification: Likely pathogenic for Marfan syndrome. Last evaluated: 2017-11-07. Review status: no assertion criteria provided. Collection method: clinical testing. Allele origin: germline. Affected: yes. Not counted in ClinVar's aggregate classification.

Literature cited by the submitters: PubMed 11700157 (cited by 3 submitters); PubMed 16905551 (cited by Labcorp Genetics (formerly Invitae), Labcorp); PubMed 19349279 (cited by Labcorp Genetics (formerly Invitae), Labcorp); PubMed 16571647 (cited by Labcorp Genetics (formerly Invitae), Labcorp); PubMed 17701892 (cited by Labcorp Genetics (formerly Invitae), Labcorp); PubMed 11722462 (cited by Women's Health and Genetics/Laboratory Corporation of America, LabCorp); PubMed 19780835 (cited by Women's Health and Genetics/Laboratory Corporation of America, LabCorp); PubMed 11933199 (cited by Women's Health and Genetics/Laboratory Corporation of America, LabCorp and Ambry Genetics); PubMed 27611364 (cited by Women's Health and Genetics/Laboratory Corporation of America, LabCorp and Ambry Genetics); PubMed 15241795 (cited by Women's Health and Genetics/Laboratory Corporation of America, LabCorp); PubMed 16220557 (cited by Ambry Genetics); PubMed 17627385 (cited by Ambry Genetics).